The following is an entry in ClinVar:

ClinVar aggregate classification (germline): Likely pathogenic. Review status: criteria provided, multiple submitters, no conflicts (2 of 4 stars). 3 submissions from 3 submitters: Likely pathogenic (3). Last evaluated 2024-10-29.

Conditions:
Autosomal recessive limb-girdle muscular dystrophy type 2B (LGMDR2). Also called: MUSCULAR DYSTROPHY, LIMB-GIRDLE, TYPE 3; Limb-girdle muscular dystrophy, type 2B; Limb-Girdle Muscular Dystrophy Type 2B (LGMD2B); MUSCULAR DYSTROPHY, LIMB-GIRDLE, AUTOSOMAL RECESSIVE 2. Identifiers: Orphanet 268, MedGen C1850889, MONDO:0009676, OMIM 253601.

Submissions (3):

Natera, Inc.
Classification: Likely pathogenic for Limb-girdle muscular dystrophy type 2B. Last evaluated: 2024-10-29. Review status: criteria provided, single submitter. Criteria: Natera Variant Classification Schema (03/2026). Collection method: clinical testing. Allele origin: germline.
Comment: The c.4333+2T>A variant in DYSF is a canonical splice donor site variant predicted to affect pre-mRNA splicing, which may result in an abnormal transcript and altered protein product. This variant is expected to result in nonsense mediated decay, truncation, or a dysfunctional protein product. This variant is rare in the general population with a frequency below the threshold expected for the associated phenotype(s). Given the available evidence, this variant is classified as Likely Pathogenic.

Revvity Omics, Revvity
Classification: Likely pathogenic. Last evaluated: 2021-02-25. Review status: criteria provided, single submitter. Criteria: ACMG Guidelines, 2015. Collection method: clinical testing. Allele origin: germline.

Eurofins Ntd Llc (ga)
Classification: Likely pathogenic. Last evaluated: 2016-08-08. Review status: criteria provided, single submitter. Criteria: EGL Classification Definitions 2015. Collection method: clinical testing. Allele origin: germline. Observed: 1 variant allele, 1 heterozygote.

NM_001130987.2(DYSF):c.4387+2T>A

Gene: DYSF (dysferlin; plus strand). Cytogenetic location: 2p13.2.
Variant type: single nucleotide variant.
Coding change: c.4387+2T>A on transcript NM_001130987.2 (MANE Select); the canonical splice donor site of the intron after coding-DNA position 4387, T replaced by A.
Molecular consequence: splice donor variant.
Genome position (GRCh38, 1-based): chr2:71,612,808, T>A. VCF-style: chr2-71612808-T-A. GRCh37 (hg19) VCF-style: chr2-71839938-T-A.
Other names: c.4333+2T>A (NM_001130978.2, NM_003494.4); c.4291+2T>A (NM_001130977.2, NM_001130976.2); c.4429+2T>A (NM_001130982.2); c.4426+2T>A (NM_001130979.2); c.4384+2T>A (NM_001130981.2, NM_001130980.2); c.4387+2T>A (NM_001130985.2); c.4336+2T>A (NM_001130983.2, NM_001130455.2); c.4294+2T>A (NM_001130984.2, NM_001130986.2).
Identifiers: ClinVar variation 290202 (VCV000290202.10), dbSNP rs759939755, ClinGen allele CA10606684.
Genomic context (GRCh38, chr2:71,612,808, plus strand): 5'-GGAGAGCTTCCTGTGTGACCCCTACTCGGCGGAGAGTCCATCCCCACAGGGTGGCCCAGG[T>A]AGGGGAAGGGGAGATGATGGGCAGGTCAGGGAAGGGGGAGCCTCAGGGCCAAGCTACCCT-3'